The following is an entry in ClinVar:

NM_001374828.1(ARID1B):c.5867_5872delinsC (p.His1956fs)

Gene: ARID1B (AT-rich interaction domain 1B; plus strand). Cytogenetic location: 6q25.3.
Variant type: Indel.
Coding change: c.5867_5872delinsC on transcript NM_001374828.1 (MANE Select); coding-DNA positions 5867 to 5872, ACTTTG replaced by C.
Protein change: p.His1956fs; shifts the reading frame from histidine 1956.
Molecular consequence: frameshift variant.
Genome position (GRCh38, 1-based): chr6:157,206,639-157,206,644, ACTTTG replaced by C. VCF-style: chr6-157206639-ACTTTG-C. GRCh37 (hg19) VCF-style: chr6-157527773-ACTTTG-C.
Other names: c.5618_5623delACTTTGinsC, p.His1873Profs (NM_001346813.1); c.3368_3373delinsC, p.His1123fs (NM_001363725.2); c.5747_5752delinsC, p.His1916fs (NM_001371656.1, NM_001374820.1); c.5708_5713delinsC, p.His1903fs (NM_017519.3); c.5498_5503delACTTTGinsC, p.His1833Profs (NM_020732.3); c.5285_5290delACTTTGinsC, p.His1762Profs (NM_175863.2); short protein forms H1123fs, H1903fs, H1916fs, H1956fs.
Identifiers: ClinVar variation 2626903 (VCV002626903.1), dbSNP rs2538766341, ClinGen allele CA2582341715.

ClinVar aggregate classification (germline): Pathogenic (1 of 4 stars; one submission).

Conditions:
Coffin-Siris syndrome 1 (CSS1). Also called: ARID1B-Related Coffin-Siris Syndrome; Mental retardation, autosomal dominant 12. Identifiers: Orphanet 1465, MedGen C3281201, MONDO:0007617, OMIM 135900. Disease mechanism: gain of function.

Submission:

Greenwood Genetic Center Diagnostic Laboratories, Greenwood Genetic Center
Classification: Pathogenic for Coffin-Siris syndrome 1. Last evaluated: 2023-08-25. Review status: criteria provided, single submitter. Criteria: ACMG Guidelines, 2015. Collection method: clinical testing. Allele origin: germline. Affected: yes.
Comment: PVS1, PS2, PM2